The following is an entry in ClinVar:

ClinVar aggregate classification (germline): Benign (0 of 4 stars; one submission).

Conditions:
KIAA0825-related disorder. Also called: KIAA0825-related condition.

Allele frequency attached by ClinVar (database versions not stated): gnomAD exomes 0.03355; ExAC 0.08303; ESP Exome Variant Server 0.10346; gnomAD 0.10516; TOPMed 0.11655; 1000 Genomes Project 0.13658; 1000 Genomes Project 30x 0.14022.
gnomAD v4.1: 63,755 of 1,548,722 alleles (4.1%); highest among the groups gnomAD compares: African/African-American, 29%; 4,306 homozygotes.

Submission:

PreventionGenetics, part of Exact Sciences
Classification: Benign for KIAA0825-related condition. Last evaluated: 2019-11-25. Review status: no assertion criteria provided. Collection method: clinical testing. Allele origin: germline.
Comment: This variant is classified as benign based on ACMG/AMP sequence variant interpretation guidelines (Richards et al. 2015 PMID: 25741868, with internal and published modifications).

NM_001145678.3(KIAA0825):c.1158G>A (p.Glu386=)

Gene: KIAA0825 (KIAA0825; minus strand). Cytogenetic location: 5q15.
Variant type: single nucleotide variant.
Coding change: c.1158G>A on transcript NM_001145678.3 (MANE Select); coding-DNA position 1158, G replaced by A.
Protein change: p.Glu386=; no amino-acid change (glutamic acid 386 retained).
Molecular consequence: synonymous variant. On other transcripts: non-coding transcript variant (1).
Genome position (GRCh38, 1-based): chr5:94,477,180, C>T on the plus strand (G>A on the coding strand, the complement: KIAA0825 is on the minus strand). VCF-style: chr5-94477180-C-T. GRCh37 (hg19) VCF-style: chr5-93812885-C-T.
Other names: c.1158G>A, p.Glu386= (NM_001385712.1, NM_001385713.1, NM_001388325.1).
Identifiers: ClinVar variation 3056214 (VCV003056214.2), dbSNP rs10057902, ClinGen allele CA3344163.
Genomic context (GRCh38, chr5:94,477,180, plus strand): 5'-TGGTAGTGATTGCTCGGAAGGAATATTGGTTTCGTTTGCTCTAGGTTTTTCCATTACAAC[C>T]TCTCTATCGGATTTCTCCAAAATTCCTAAGCAATAGAAAAGAAAACAAACACACTAATAT-3'
Protein context (NP_001139150.1, residues 376-396): TSGILEKSDR[Glu386=]VVMEKPRANE